The following is an entry in ClinVar:

NM_001567.4(INPPL1):c.2854C>T (p.Pro952Ser)

Gene: INPPL1 (inositol polyphosphate phosphatase like 1; plus strand). Cytogenetic location: 11q13.4.
Variant type: single nucleotide variant.
Coding change: c.2854C>T on transcript NM_001567.4 (MANE Select); coding-DNA position 2854, C replaced by T.
Protein change: p.Pro952Ser; replaces proline 952 with serine.
Molecular consequence: missense variant.
Genome position (GRCh38, 1-based): chr11:72,235,961, C>T. VCF-style: chr11-72235961-C-T. GRCh37 (hg19) VCF-style: chr11-71947005-C-T.
Other names: c.2854C>T (NM_001567.3); short protein forms P952S.
Identifiers: ClinVar variation 1473770 (VCV001473770.7), dbSNP rs151260449, ClinGen allele CA6170482.

ClinVar aggregate classification (germline): Uncertain significance. Review status: criteria provided, multiple submitters, no conflicts (2 of 4 stars). 3 submissions from 3 submitters: Uncertain significance (3). Last evaluated 2024-02-06.

Conditions:
Inborn genetic diseases. Identifiers: MedGen C0950123, MeSH D030342.

Allele frequency attached by ClinVar (database versions not stated): gnomAD exomes 0.00003 and 0.00008; ExAC 0.00012; 1000 Genomes Project 30x 0.00031; gnomAD 0.00037 and 0.00042; ESP Exome Variant Server 0.00039; 1000 Genomes Project 0.00040; TOPMed 0.00040.
gnomAD v4.1: 107 of 1,601,854 alleles (0.0067%); highest among the groups gnomAD compares: African/African-American, 0.12%; no homozygotes.

Submissions (3):

Ambry Genetics
Classification: Uncertain significance for Inborn genetic diseases. Last evaluated: 2024-02-06. Review status: criteria provided, single submitter. Criteria: Ambry Variant Classification Scheme 2023. Collection method: clinical testing. Allele origin: germline.

Labcorp Genetics (formerly Invitae), Labcorp
Classification: Uncertain significance. Last evaluated: 2022-06-08. Review status: criteria provided, single submitter. Criteria: Invitae Variant Classification Sherloc (09022015). Collection method: clinical testing. Allele origin: germline.
Comment: This sequence change replaces proline, which is neutral and non-polar, with serine, which is neutral and polar, at codon 952 of the INPPL1 protein (p.Pro952Ser). This variant is present in population databases (rs151260449, gnomAD 0.1%). This variant has not been reported in the literature in individuals affected with INPPL1-related conditions. Algorithms developed to predict the effect of missense changes on protein structure and function output the following: SIFT: "Tolerated"; PolyPhen-2: "Benign"; Align-GVGD: "Class C0". The serine amino acid residue is found in multiple mammalian species, which suggests that this missense change does not adversely affect protein function. In summary, the available evidence is currently insufficient to determine the role of this variant in disease. Therefore, it has been classified as a Variant of Uncertain Significance.

Breakthrough Genomics
Classification: Uncertain significance. Review status: criteria provided, single submitter. Criteria: ACMG Guidelines, 2015. Collection method: not provided. Allele origin: germline. Inheritance: Autosomal recessive inheritance. Affected: yes.